The following is an entry in ClinVar:

NM_182924.4(MICALL2):c.872C>T (p.Ala291Val)

Gene: MICALL2 (MICAL like 2; minus strand). Cytogenetic location: 7p22.3.
Variant type: single nucleotide variant.
Coding change: c.872C>T on transcript NM_182924.4 (MANE Select); coding-DNA position 872, C replaced by T.
Protein change: p.Ala291Val; replaces alanine 291 with valine.
Molecular consequence: missense variant.
Genome position (GRCh38, 1-based): chr7:1,445,198, G>A on the plus strand (C>T on the coding strand, the complement: MICALL2 is on the minus strand). VCF-style: chr7-1445198-G-A. GRCh37 (hg19) VCF-style: chr7-1484834-G-A.
Other names: short protein forms A291V.
Identifiers: ClinVar variation 2657180 (VCV002657180.24), dbSNP rs150837160, ClinGen allele CA4117510.
Genomic context (GRCh38, chr7:1,445,198, plus strand): 5'-GCGCTGGTGGCTGCAGGGTTGGGTGCAGCTGGAACGGAAGCCCTGGCAGGCGAGTTGCCC[G>A]CAGCAGGCTCCCAGGCCGACGGTCTGGCCTTGTTTGCCTCCTGGGCCTTCTGTGGGGAAC-3'
Protein context (NP_891554.1, residues 281-301): KARPSAWEPA[Ala291Val]GNSPARASVP

ClinVar aggregate classification (germline): Likely benign (1 of 4 stars; one submission).

Allele frequency attached by ClinVar (database versions not stated): ExAC 0.00086; ESP Exome Variant Server 0.00031.
gnomAD v4.1: 378 of 1,597,834 alleles (0.024%); highest among the groups gnomAD compares: Middle Eastern, 0.15%; 1 homozygote.

Submission:

CeGaT Center for Human Genetics Tuebingen
Classification: Likely benign. Last evaluated: 2023-03-01. Review status: criteria provided, single submitter. Criteria: CeGaT Center For Human Genetics Tuebingen Variant Classification Criteria Version 2. Collection method: clinical testing. Allele origin: germline. Affected: yes. Observed: 1 variant allele.
Comment: MICALL2: BP4